The following is an entry in ClinVar:

ClinVar aggregate classification (germline): Conflicting classifications of pathogenicity. Review status: criteria provided, conflicting classifications (1 of 4 stars). 10 submissions from 10 submitters: Uncertain significance (7); Likely benign (3). Last evaluated 2026-08-07.

Conditions:
Hereditary cancer-predisposing syndrome. Also called: Tumor predisposition; Hereditary neoplastic syndrome; Hereditary Cancer Syndrome; Neoplastic Syndromes, Hereditary. Identifiers: Orphanet 140162, MedGen C0027672, MeSH D009386, MONDO:0015356.
Ataxia-telangiectasia syndrome (AT). Also called: ATAXIA-TELANGIECTASIA, COMPLEMENTATION GROUP A; ATAXIA-TELANGIECTASIA, FRESNO VARIANT; Ataxia-telangiectasia; Ataxia-telangiectasia, complementation group D; AT, COMPLEMENTATION GROUP C; Ataxia-telangiectasia, complementation group E. Identifiers: Orphanet 100, MedGen C0004135, MONDO:0008840, OMIM 208900.

Allele frequency attached by ClinVar (database versions not stated): gnomAD exomes 0.00003 and 0.00005; TOPMed 0.00003; ExAC 0.00005; gnomAD 0.00005; ESP Exome Variant Server 0.00008.

Submissions (10):

GeneDx
Classification: Uncertain significance. Last evaluated: 2026-08-07. Review status: criteria provided, single submitter. Criteria: GeneDx Variant Classification Process June 2021. Collection method: clinical testing. Allele origin: germline.
Comment: In silico analysis suggests that this missense variant does not alter protein structure/function; Not observed at significant frequency in large population cohorts (gnomAD); This variant is associated with the following publications: (PMID: 28652578, 24113346, 31159747, 28779002, 34262154, 33471991, 19781682, 36315919)

St. Jude Molecular Pathology, St. Jude Children's Research Hospital
Classification: Uncertain significance for Ataxia-telangiectasia syndrome. Last evaluated: 2026-02-11. Review status: criteria provided, single submitter. Criteria: St. Jude Assertion Criteria 2020. Collection method: clinical testing. Allele origin: germline.
Comment: The ATM c.3016A>G p.(Met1006Val) missense change has a maximum subpopulation frequency of 0.0092% in gnomAD v2.1.1. The in silico tool REVEL predicts a benign effect on protein function, but to our knowledge this prediction has not been confirmed by functional studies. This variant has been reported in individuals with breast cancer as well as control individuals (PMID: 28779002, 35585550). To our knowledge, this variant has not been reported in individuals with ataxia telangiectasia. In summary, the evidence currently available is insufficient to determine the clinical significance of this variant. It has therefore been classified as of uncertain significance.

Labcorp Genetics (formerly Invitae), Labcorp
Classification: Uncertain significance for Ataxia-telangiectasia syndrome. Last evaluated: 2026-01-19. Review status: criteria provided, single submitter. Criteria: Invitae Variant Classification Sherloc (09022015). Collection method: clinical testing. Allele origin: germline.
Comment: This sequence change replaces methionine, which is neutral and non-polar, with valine, which is neutral and non-polar, at codon 1006 of the ATM protein (p.Met1006Val). This variant is present in population databases (rs139893395, gnomAD 0.009%). This missense change has been observed in individual(s) with personal and/or family history of cancer (PMID: 24113346, 31159747; internal data). ClinVar contains an entry for this variant (Variation ID: 142162). Invitae Evidence Modeling of protein sequence and biophysical properties (such as structural, functional, and spatial information, amino acid conservation, physicochemical variation, residue mobility, and thermodynamic stability) indicates that this missense variant is not expected to disrupt ATM protein function with a negative predictive value of 95%. In summary, the available evidence is currently insufficient to determine the role of this variant in disease. Therefore, it has been classified as a Variant of Uncertain Significance.

Center for Genomic Medicine, Rigshospitalet, Copenhagen University Hospital
Classification: Uncertain significance. Last evaluated: 2025-03-04. Review status: criteria provided, single submitter. Criteria: ACMG Guidelines, 2015. Collection method: clinical testing. Allele origin: germline.
Comment: Classification criteria: BP4

Color Diagnostics, LLC DBA Color Health
Classification: Likely benign for Hereditary cancer-predisposing syndrome. Last evaluated: 2024-09-18. Review status: criteria provided, single submitter. Criteria: ACMG Guidelines, 2015. Collection method: clinical testing. Allele origin: germline.

CeGaT Center for Human Genetics Tuebingen
Classification: Likely benign. Last evaluated: 2024-07-01. Review status: criteria provided, single submitter. Criteria: CeGaT Center For Human Genetics Tuebingen Variant Classification Criteria Version 2. Collection method: clinical testing. Allele origin: germline. Affected: yes. Observed: 2 variant alleles.
Comment: ATM: BP4

Women's Health and Genetics/Laboratory Corporation of America, LabCorp
Classification: Uncertain significance. Last evaluated: 2023-01-03. Review status: criteria provided, single submitter. Criteria: LabCorp Variant Classification Summary - May 2015. Collection method: clinical testing. Allele origin: germline.
Comment: Variant summary: ATM c.3016A>G (p.Met1006Val) results in a conservative amino acid change in the encoded protein sequence. Five of five in-silico tools predict a benign effect of the variant on protein function. The variant allele was found at a frequency of 4.8e-05 in 251338 control chromosomes (gnomAD). This frequency is not higher than predicted for a pathogenic variant in ATM causing Ataxia-Telangiectasia (4.8e-05 vs 0.004), allowing no conclusion about variant significance. c.3016A>G has been reported in the literature as a VUS in individuals undergoing multigene cancer panel testing as well as in unaffected control cohorts (example, Mauer_2014, Tsaousis_2019, Tiao_2017). These report(s) do not provide unequivocal conclusions about association of the variant with Ataxia-Telangiectasia. To our knowledge, no experimental evidence demonstrating an impact on protein function has been reported. Seven clinical diagnostic laboratories have submitted clinical-significance assessments for this variant to ClinVar after 2014 and classified the variant as VUS (n=5) and likely benign (n=2). Based on the evidence outlined above, the variant was classified as uncertain significance.

Sema4
Classification: Uncertain significance for Hereditary cancer-predisposing syndrome. Last evaluated: 2021-11-19. Review status: criteria provided, single submitter. Criteria: Sema4 Curation Guidelines. Collection method: curation. Allele origin: germline.
Comment: The ATM c.3016A>G (p.M1006V) variant has been reported in heterozygosity in at least one individual with a personal or family history of breast and/or ovarian cancer (PMID: 31159747). It was also seen in a breast cancer case-control analysis in 8/60,466 cases and 8/53,461 controls (PMID: 33471991). It was observed in 12/129078 chromosomes of the Non-Finnish European subpopulation, with no homozygotes, in the large and broad cohorts of the Genome Aggregation Database (PMID: 32461654). The variant has been reported in ClinVar (Variation ID 142162). In silico tools suggest the impact of the variant on protein function is benign, though these predictions have not been confirmed by functional studies. The evidence is insufficient to meet ACMG/AMP criteria for classifying the variant as benign or pathogenic. Thus, the clinical significance of this variant is currently uncertain.

Ambry Genetics
Classification: Likely benign for Hereditary cancer-predisposing syndrome. Last evaluated: 2018-08-21. Review status: criteria provided, single submitter. Criteria: Ambry Variant Classification Scheme 2023. Collection method: clinical testing. Allele origin: germline.

GeneKor MSA
Classification: Uncertain significance for Hereditary cancer-predisposing syndrome. Last evaluated: 2018-08-01. Review status: criteria provided, single submitter. Criteria: ACMG Guidelines, 2015. Collection method: clinical testing. Allele origin: germline. Affected: no.

Literature cited by the submitters: PubMed 24113346 (cited by 3 submitters); PubMed 31159747 (cited by 3 submitters); PubMed 28652578 (cited by Women's Health and Genetics/Laboratory Corporation of America, LabCorp); PubMed 34262154 (cited by Women's Health and Genetics/Laboratory Corporation of America, LabCorp); PubMed 33471991 (cited by Sema4).

NM_000051.4(ATM):c.3016A>G (p.Met1006Val)

Gene: ATM (ATM serine/threonine kinase; plus strand). Cytogenetic location: 11q22.3.
Variant type: single nucleotide variant.
Coding change: c.3016A>G on transcript NM_000051.4 (MANE Select); coding-DNA position 3016, A replaced by G.
Protein change: p.Met1006Val; replaces methionine 1006 with valine.
Molecular consequence: missense variant.
Genome position (GRCh38, 1-based): chr11:108,271,345, A>G. VCF-style: chr11-108271345-A-G. GRCh37 (hg19) VCF-style: chr11-108142072-A-G.
Other names: c.3016A>G, p.Met1006Val (NM_001351834.2); short protein forms M1006V.
Identifiers: ClinVar variation 142162 (VCV000142162.71), dbSNP rs139893395, ClinGen allele CA167648.